The following is an entry in ClinVar:

ClinVar aggregate classification (germline): Uncertain significance (1 of 4 stars; one submission).

Conditions:
Long QT syndrome (LQTS). Identifiers: MedGen C0023976, MeSH D008133, MONDO:0002442. Disease mechanism: loss of function. Inheritance: Various modes of inheritance.

gnomAD v4.1: 1 of 1,570,260 alleles (0.000064%); no homozygotes.

Submission:

Labcorp Genetics (formerly Invitae), Labcorp
Classification: Uncertain significance for Long QT syndrome. Last evaluated: 2022-04-17. Review status: criteria provided, single submitter. Criteria: Invitae Variant Classification Sherloc (09022015). Collection method: clinical testing. Allele origin: germline.
Comment: In summary, the available evidence is currently insufficient to determine the role of this variant in disease. Therefore, it has been classified as a Variant of Uncertain Significance. Algorithms developed to predict the effect of missense changes on protein structure and function (SIFT, PolyPhen-2, Align-GVGD) all suggest that this variant is likely to be tolerated. This variant has not been reported in the literature in individuals affected with AKAP9-related conditions. This variant is not present in population databases (gnomAD no frequency). This sequence change replaces histidine, which is basic and polar, with arginine, which is basic and polar, at codon 2619 of the AKAP9 protein (p.His2619Arg).

NM_005751.5(AKAP9):c.7856A>G (p.His2619Arg)

Gene: AKAP9 (A-kinase anchoring protein 9; plus strand). Cytogenetic location: 7q21.2.
Variant type: single nucleotide variant.
Coding change: c.7856A>G on transcript NM_005751.5 (MANE Select); coding-DNA position 7856, A replaced by G.
Protein change: p.His2619Arg; replaces histidine 2619 with arginine.
Molecular consequence: missense variant.
Genome position (GRCh38, 1-based): chr7:92,079,989, A>G. VCF-style: chr7-92079989-A-G. GRCh37 (hg19) VCF-style: chr7-91709303-A-G.
Other names: c.2501A>G, p.His834Arg (NM_001379277.1); c.7832A>G, p.His2611Arg (NM_147185.3); short protein forms H834R, H2611R, H2619R.
Identifiers: ClinVar variation 1386325 (VCV001386325.6), dbSNP rs1813243568, ClinGen allele CA368136671.